The following is an entry in ClinVar:

NM_005751.5(AKAP9):c.5778C>T (p.Gly1926=)

Gene: AKAP9 (A-kinase anchoring protein 9; plus strand). Cytogenetic location: 7q21.2.
Variant type: single nucleotide variant.
Coding change: c.5778C>T on transcript NM_005751.5 (MANE Select); coding-DNA position 5778, C replaced by T.
Protein change: p.Gly1926=; no amino-acid change (glycine 1926 retained).
Molecular consequence: synonymous variant.
Genome position (GRCh38, 1-based): chr7:92,062,287, C>T. VCF-style: chr7-92062287-C-T. GRCh37 (hg19) VCF-style: chr7-91691601-C-T.
Other names: p.G1926G:GGC>GGT; c.423C>T, p.Gly141= (NM_001379277.1); c.5778C>T, p.Gly1926= (NM_147185.3).
Identifiers: ClinVar variation 136333 (VCV000136333.27), dbSNP rs10236397, ClinGen allele CA289349.
Genomic context (GRCh38, chr7:92,062,287, plus strand): 5'-ATTTGAAATGAATAATAGTTCTATTTTCTGTTAATTTTGTATTATAGGCGTCATTGATGG[C>T]TATGCAGATGAAAAAACTCTTTTTGAAAGGCAAATTCAGGAAAAAACTGATATAATAGAT-3'
Protein context (NP_005742.4, residues 1916-1936): ELSKAEGVID[Gly1926=]YADEKTLFER

ClinVar aggregate classification (germline): Benign/Likely benign. Review status: criteria provided, multiple submitters, no conflicts (2 of 4 stars). 10 submissions from 10 submitters: Benign (7); Likely benign (1). 2 of the submissions do not count toward it. Last evaluated 2026-02-04.

Conditions:
Cardiovascular phenotype. Identifiers: MedGen CN230736.
Long QT syndrome (LQTS). Identifiers: MedGen C0023976, MeSH D008133, MONDO:0002442. Disease mechanism: loss of function. Inheritance: Various modes of inheritance.
Long QT syndrome 11 (LQT11). Identifiers: Orphanet 101016, Orphanet 768, MedGen C2678483, MONDO:0012738, OMIM 611820.

Allele frequency attached by ClinVar (database versions not stated): 1000 Genomes Project 0.35982; 1000 Genomes Project 30x 0.36259; gnomAD exomes 0.37508 and 0.38466; ExAC 0.37946; gnomAD 0.40171 and 0.40488; TOPMed 0.40174; ESP Exome Variant Server 0.42773.
gnomAD v4.1: 621,166 of 1,607,738 alleles (39%); highest among the groups gnomAD compares: African/African-American, 47%; 122,499 homozygotes.

Submissions (10):

Labcorp Genetics (formerly Invitae), Labcorp
Classification: Benign for Long QT syndrome. Last evaluated: 2026-02-04. Review status: criteria provided, single submitter. Criteria: Invitae Variant Classification Sherloc (09022015). Collection method: clinical testing. Allele origin: germline.

Blueprint Genetics
Classification: Benign. Last evaluated: 2024-11-27. Review status: criteria provided, single submitter. Criteria: ACMG Guidelines, 2015. Collection method: clinical testing. Allele origin: germline.

Genome-Nilou Lab
Classification: Benign for Long QT syndrome 11. Last evaluated: 2021-12-05. Review status: criteria provided, single submitter. Criteria: ACMG Guidelines, 2015. Collection method: clinical testing. Allele origin: germline. Affected: no.

Women's Health and Genetics/Laboratory Corporation of America, LabCorp
Classification: Benign. Last evaluated: 2019-08-09. Review status: criteria provided, single submitter. Criteria: LabCorp Variant Classification Summary - May 2015. Collection method: clinical testing. Allele origin: germline.

Ambry Genetics
Classification: Benign for Cardiovascular phenotype. Last evaluated: 2015-06-18. Review status: criteria provided, single submitter. Criteria: Ambry Variant Classification Scheme 2023. Collection method: clinical testing. Allele origin: germline.

GeneDx
Classification: Benign. Last evaluated: 2011-07-10. Review status: criteria provided, single submitter. Criteria: GeneDx Variant Classification (06012015). Collection method: clinical testing. Allele origin: germline. Affected: yes.
Comment: This variant is considered likely benign or benign based on one or more of the following criteria: it is a conservative change, it occurs at a poorly conserved position in the protein, it is predicted to be benign by multiple in silico algorithms, and/or has population frequency not consistent with disease.

Breakthrough Genomics
Classification: Likely benign. Review status: criteria provided, single submitter. Criteria: ACMG Guidelines, 2015. Collection method: not provided. Allele origin: germline. Inheritance: Autosomal dominant inheritance. Affected: yes.

PreventionGenetics, part of Exact Sciences
Classification: Benign. Review status: criteria provided, single submitter. Criteria: ACMG Guidelines, 2015. Collection method: clinical testing. Allele origin: germline.

Clinical Genetics, Academic Medical Center
Classification: Benign. Review status: no assertion criteria provided. Collection method: clinical testing. Allele origin: germline. Affected: yes. Study: VKGL Data-share Consensus. Not counted in ClinVar's aggregate classification.

Diagnostic Laboratory, Department of Genetics, University Medical Center Groningen
Classification: Benign for Long QT syndrome 11. Review status: no assertion criteria provided. Collection method: clinical testing. Allele origin: germline. Affected: yes. Study: VKGL Data-share Consensus. Not counted in ClinVar's aggregate classification.